The following is an entry in ClinVar:

ClinVar aggregate classification (germline): Uncertain significance (1 of 4 stars; one submission).

Submission:

Labcorp Genetics (formerly Invitae), Labcorp
Classification: Uncertain significance. Last evaluated: 2024-04-29. Review status: criteria provided, single submitter. Criteria: Invitae Variant Classification Sherloc (09022015). Collection method: clinical testing. Allele origin: germline.
Comment: This sequence change replaces aspartic acid, which is acidic and polar, with tyrosine, which is neutral and polar, at codon 595 of the MSH3 protein (p.Asp595Tyr). This variant is not present in population databases (gnomAD no frequency). This variant has not been reported in the literature in individuals affected with MSH3-related conditions. ClinVar contains an entry for this variant (Variation ID: 1722155). An algorithm developed to predict the effect of missense changes on protein structure and function (PolyPhen-2) suggests that this variant is likely to be disruptive. In summary, the available evidence is currently insufficient to determine the role of this variant in disease. Therefore, it has been classified as a Variant of Uncertain Significance.

NM_002439.5(MSH3):c.1783G>T (p.Asp595Tyr)

Gene: MSH3 (mutS homolog 3; plus strand). Cytogenetic location: 5q14.1.
Variant type: single nucleotide variant.
Coding change: c.1783G>T on transcript NM_002439.5 (MANE Select); coding-DNA position 1783, G replaced by T.
Protein change: p.Asp595Tyr; replaces aspartic acid 595 with tyrosine.
Molecular consequence: missense variant.
Genome position (GRCh38, 1-based): chr5:80,761,565, G>T. VCF-style: chr5-80761565-G-T. GRCh37 (hg19) VCF-style: chr5-80057384-G-T.
Other names: short protein forms D595Y.
Identifiers: ClinVar variation 1722155 (VCV001722155.5), dbSNP rs2112879862, ClinGen allele CA360276507.